The following is an entry in ClinVar:

ClinVar aggregate classification (germline): Pathogenic/Likely pathogenic. Review status: criteria provided, multiple submitters, no conflicts (2 of 4 stars). 2 submissions from 2 submitters: Pathogenic (1); Likely pathogenic (1). Last evaluated 2025-02-10.

Conditions:
Autosomal recessive osteopetrosis 1. Also called: ALBERS-SCHONBERG DISEASE, AUTOSOMAL RECESSIVE; TCIRG1-Related Osteopetrosis; TCIRG1-Related Autosomal Recessive Osteopetrosis. Identifiers: Orphanet 667, MedGen C1850127, MONDO:0009815, OMIM 259700.

Submissions (2):

Natera, Inc.
Classification: Likely pathogenic for Infantile malignant osteopetrosis. Last evaluated: 2025-02-10. Review status: criteria provided, single submitter. Criteria: Natera Variant Classification Schema (03/2026). Collection method: clinical testing. Allele origin: germline.
Comment: The c.1648_1651dup variant in TCIRG1 is a frameshift variant predicted to shift the reading frame beginning at codon 551 and leads to a stop codon 120 codons downstream. This variant is expected to result in nonsense mediated decay, truncation, or a dysfunctional protein product. This variant is rare in the general population with a frequency below the threshold expected for the associated phenotype(s). Given the available evidence, this variant is classified as Likely Pathogenic.

Labcorp Genetics (formerly Invitae), Labcorp
Classification: Pathogenic. Last evaluated: 2021-08-16. Review status: criteria provided, single submitter. Criteria: Invitae Variant Classification Sherloc (09022015). Collection method: clinical testing. Allele origin: germline.
Comment: This sequence change creates a premature translational stop signal (p.Val551Glyfs*120) in the TCIRG1 gene. It is expected to result in an absent or disrupted protein product. Loss-of-function variants in TCIRG1 are known to be pathogenic (PMID: 10888887, 10942435, 11532986, 19448635). This variant is not present in population databases (ExAC no frequency). This premature translational stop signal has been observed in individual(s) with infantile malignant autosomal recessive osteopetrosis (PMID: 20424301). In at least one individual the data is consistent with the variant being in trans (on the opposite chromosome) from a pathogenic variant. It has also been observed to segregate with disease in related individuals. For these reasons, this variant has been classified as Pathogenic.

Literature cited by the submitters: PubMed 10888887 (cited by Labcorp Genetics (formerly Invitae), Labcorp); PubMed 10942435 (cited by Labcorp Genetics (formerly Invitae), Labcorp); PubMed 11532986 (cited by Labcorp Genetics (formerly Invitae), Labcorp); PubMed 19448635 (cited by Labcorp Genetics (formerly Invitae), Labcorp); PubMed 20424301 (cited by Labcorp Genetics (formerly Invitae), Labcorp).

NM_006019.4(TCIRG1):c.1648_1651dup (p.Val551fs)

Gene: TCIRG1 (T cell immune regulator 1, ATPase H+ transporting V0 subunit a3; plus strand). Cytogenetic location: 11q13.2.
Variant type: Duplication.
Coding change: c.1648_1651dup on transcript NM_006019.4 (MANE Select); coding-DNA positions 1648 to 1651, 4 bases duplicated (GTGG; older notation c.1648_1651dupGTGG).
Protein change: p.Val551fs; shifts the reading frame from valine 551.
Molecular consequence: frameshift variant.
Genome position (GRCh38, 1-based): chr11:68,048,972-68,048,975, GTGG duplicated; duplicating any 4 consecutive bases within chr11:68,048,970-68,048,975 gives the same sequence; the c. name uses the placement nearest the transcript's 3' end. VCF-style (leftmost placement, unchanged base first): chr11-68048969-G-GGGGT. GRCh37 (hg19) VCF-style: chr11-67816436-G-GGGGT.
Other names: c.1648_1651dup (NM_006019.3); c.754_757dup, p.Val253fs (NM_001351059.2); c.1000_1003dup, p.Val335fs (NM_006053.4); short protein forms V335fs, V551fs, V253fs.
Identifiers: ClinVar variation 1456297 (VCV001456297.8), dbSNP rs2134459706, ClinGen allele CA2573147504.